The following is an entry in ClinVar:

NM_003924.4(PHOX2B):c.-2C>A

Genes: PHOX2B (paired like homeobox 2B; minus strand), PHOX2B-AS1 (PHOX2B antisense RNA 1; plus strand). Cytogenetic location: 4p13.
Variant type: single nucleotide variant.
Coding change: c.-2C>A on transcript NM_003924.4 (MANE Select); 2 bases upstream of the start codon, C replaced by A.
Molecular consequence: 5 prime UTR variant.
Genome position (GRCh38, 1-based): chr4:41,748,612, G>T on the plus strand (C>A on the coding strand, the complement: PHOX2B is on the minus strand). VCF-style: chr4-41748612-G-T. GRCh37 (hg19) VCF-style: chr4-41750629-G-T.
Identifiers: ClinVar variation 3306273 (VCV003306273.1).

ClinVar aggregate classification (germline): Uncertain significance (1 of 4 stars; one submission).

Conditions:
Hereditary cancer-predisposing syndrome. Also called: Tumor predisposition; Hereditary Cancer Syndrome; Hereditary neoplastic syndrome; Neoplastic Syndromes, Hereditary. Identifiers: Orphanet 140162, MedGen C0027672, MeSH D009386, MONDO:0015356.

Submission:

Ambry Genetics
Classification: Uncertain significance for Hereditary cancer-predisposing syndrome. Last evaluated: 2024-04-17. Review status: criteria provided, single submitter. Criteria: Ambry Variant Classification Scheme 2023. Collection method: clinical testing. Allele origin: germline.
Comment: The c.-2C>A variant is located in the 5' untranslated region (5&rsquo; UTR) of the PHOX2B gene. This variant results from a C to A substitution 2 bases upstream from the first translated codon. This nucleotide position is highly conserved in available vertebrate species. Based on the available evidence, the clinical significance of this variant remains unclear.